The following is an entry in ClinVar:

NM_000186.4(CFH):c.1691G>T (p.Cys564Phe)

Gene: CFH (complement factor H; plus strand). Cytogenetic location: 1q31.3.
Variant type: single nucleotide variant.
Coding change: c.1691G>T on transcript NM_000186.4 (MANE Select); coding-DNA position 1691, G replaced by T.
Protein change: p.Cys564Phe; replaces cysteine 564 with phenylalanine.
Molecular consequence: missense variant.
Genome position (GRCh38, 1-based): chr1:196,715,764, G>T. VCF-style: chr1-196715764-G-T. GRCh37 (hg19) VCF-style: chr1-196684894-G-T.
Other names: short protein forms C564F.
Identifiers: ClinVar variation 4291410 (VCV004291410.1).
Genomic context (GRCh38, chr1:196,715,764, plus strand): 5'-CTGGAAGCACCACTGGTTCCATAGTGTGTGGTTACAATGGTTGGTCTGATTTACCCATAT[G>T]TTATGGTAAGTACTGGTTTTTCAGAAATTCATTTTCAAAATGAAAATAAATCTGTTTTCC-3'
Protein context (NP_000177.2, residues 554-574): GYNGWSDLPI[Cys564Phe]YERECELPKI

ClinVar aggregate classification (germline): Uncertain significance (1 of 4 stars; one submission).

Conditions:
Atypical hemolytic-uremic syndrome. Identifiers: Orphanet 2134, MedGen C2931788, MONDO:0016244.

gnomAD v4.1: 2 of 1,609,730 alleles (0.00012%); highest among the groups gnomAD compares: Non-Finnish European, 0.00017%; no homozygotes.

Submission:

Genomenon, Inc
Classification: Uncertain significance for Atypical hemolytic-uremic syndrome. Last evaluated: 2025-10-02. Review status: criteria provided, single submitter. Criteria: Genomenon Sequence Variant Interpretation Standards - Updated. Collection method: curation. Allele origin: germline. Affected: yes.
Comment: CFH p.Cys564Phe (c.1691G>T) is a missense variant that changes the amino acid at residue 564 from Cysteine to Phenylalanine. This variant has been observed in at least one proband affected with atypical hemolytic-uremic syndrome (PMID:30619356). It is absent or not present at a significant frequency in gnomAD. In silico models agree that this variant is possibly or probably damaging. In conclusion, we classify CFH p.Cys564Phe (c.1691G>T) as a variant of uncertain significance.

Literature cited by the submitters: PubMed 30619356.